The following is an entry in ClinVar:

NM_014314.4(RIGI):c.2291_2292del (p.Ser764fs)

Gene: RIGI (RNA sensor RIG-I; minus strand). Cytogenetic location: 9p21.1.
Variant type: Microsatellite.
Coding change: c.2291_2292del on transcript NM_014314.4 (MANE Select); coding-DNA positions 2291 to 2292, 2 bases deleted (CT; older notation c.2291_2292delCT).
Protein change: p.Ser764fs; shifts the reading frame from serine 764.
Molecular consequence: frameshift variant.
Genome position (GRCh38, 1-based): chr9:32,466,335-32,466,336, AG deleted on the plus strand (CT on the coding strand, the reverse complement: RIGI is on the minus strand); deleting any 2 consecutive bases within chr9:32,466,335-32,466,338 gives the same sequence; the c. name uses the placement nearest the transcript's 3' end. VCF-style (leftmost placement, unchanged base first): chr9-32466334-TAG-T. GRCh37 (hg19) VCF-style: chr9-32466332-TAG-T.
Other names: c.2285_2286del, p.Ser762fs (NM_001385907.1); c.2120_2121del, p.Ser707fs (NM_001385909.1); c.1850_1851del, p.Ser617fs (NM_001385910.1); c.1682_1683del, p.Ser561fs (NM_001385912.1); c.2276_2277del, p.Ser759fs (NM_001385913.1); c.1847_1848del, p.Ser616fs (NM_001385914.1); short protein forms S764fs, S561fs, S616fs, S759fs, S762fs, S617fs, S707fs.
Identifiers: ClinVar variation 2846609 (VCV002846609.3), dbSNP rs1563959013, ClinGen allele CA587148292.

ClinVar aggregate classification (germline): Uncertain significance (1 of 4 stars; one submission).

Submission:

Labcorp Genetics (formerly Invitae), Labcorp
Classification: Uncertain significance. Last evaluated: 2024-10-31. Review status: criteria provided, single submitter. Criteria: Invitae Variant Classification Sherloc (09022015). Collection method: clinical testing. Allele origin: germline.
Comment: This sequence change creates a premature translational stop signal (p.Ser764Tyrfs*13) in the DDX58 gene. It is expected to result in an absent or disrupted protein product. However, the current clinical and genetic evidence is not sufficient to establish whether loss-of-function variants in DDX58 cause disease. This variant is present in population databases (no rsID available, gnomAD 0.0009%). This variant has not been reported in the literature in individuals affected with DDX58-related conditions. In summary, the available evidence is currently insufficient to determine the role of this variant in disease. Therefore, it has been classified as a Variant of Uncertain Significance.